The following is an entry in ClinVar:

ClinVar aggregate classification (germline): Benign/Likely benign. Review status: criteria provided, multiple submitters, no conflicts (2 of 4 stars). 3 submissions from 3 submitters: Benign (1); Likely benign (2). Last evaluated 2025-06-01.

Allele frequency attached by ClinVar (database versions not stated): ExAC 0.00002; gnomAD 0.00003; TOPMed 0.00003; gnomAD exomes 0.00007; ESP Exome Variant Server 0.00009.
gnomAD v4.1: 77 of 1,199,921 alleles (0.0064%); highest among the groups gnomAD compares: Non-Finnish European, 0.0084%; no homozygotes.

Submissions (3):

CeGaT Center for Human Genetics Tuebingen
Classification: Likely benign. Last evaluated: 2025-06-01. Review status: criteria provided, single submitter. Criteria: CeGaT Center For Human Genetics Tuebingen Variant Classification Criteria Version 2. Collection method: clinical testing. Allele origin: germline. Affected: yes. Observed: 1 variant allele.
Comment: HCCS: BP4, BP7, BS2

Blueprint Genetics
Classification: Likely benign. Last evaluated: 2024-10-11. Review status: criteria provided, single submitter. Criteria: ACMG Guidelines, 2015. Collection method: clinical testing. Allele origin: germline.

Labcorp Genetics (formerly Invitae), Labcorp
Classification: Benign. Last evaluated: 2024-08-13. Review status: criteria provided, single submitter. Criteria: Invitae Variant Classification Sherloc (09022015). Collection method: clinical testing. Allele origin: germline.

NM_005333.5(HCCS):c.474C>T (p.Asn158=)

Gene: HCCS (holocytochrome c synthase; plus strand). Cytogenetic location: Xp22.2.
Variant type: single nucleotide variant.
Coding change: c.474C>T on transcript NM_005333.5 (MANE Select); coding-DNA position 474, C replaced by T.
Protein change: p.Asn158=; no amino-acid change (asparagine 158 retained).
Molecular consequence: synonymous variant.
Genome position (GRCh38, 1-based): chrX:11,118,573, C>T. VCF-style: chrX-11118573-C-T. GRCh37 (hg19) VCF-style: chrX-11136693-C-T.
Other names: c.474C>T, p.Asn158= (NM_001122608.3, NM_001171991.3).
Identifiers: ClinVar variation 2714700 (VCV002714700.12), dbSNP rs147466639, ClinGen allele CA10347839.